The following is an entry in ClinVar:

ClinVar aggregate classification (germline): Uncertain significance (1 of 4 stars; one submission).

Conditions:
Joubert syndrome 23 (JBTS23). Identifiers: Orphanet 475, MedGen C4084822, MONDO:0014664, OMIM 616490.
Short-rib thoracic dysplasia 14 with polydactyly (SRTD14). Identifiers: Orphanet 397715, MedGen C4225286, MONDO:0014688, OMIM 616546.

Allele frequency attached by ClinVar (database versions not stated): gnomAD 0.00001; gnomAD exomes 0.00001; TOPMed 0.00001; ExAC 0.00002.
gnomAD v4.1: 19 of 1,613,898 alleles (0.0012%); highest among the groups gnomAD compares: Non-Finnish European, 0.0016%; no homozygotes.

Submission:

Labcorp Genetics (formerly Invitae), Labcorp
Classification: Uncertain significance for Joubert syndrome 23; Short-rib thoracic dysplasia 14 with polydactyly. Last evaluated: 2021-06-22. Review status: criteria provided, single submitter. Criteria: Invitae Variant Classification Sherloc (09022015). Collection method: clinical testing. Allele origin: germline.
Comment: In summary, the available evidence is currently insufficient to determine the role of this variant in disease. Therefore, it has been classified as a Variant of Uncertain Significance. Algorithms developed to predict the effect of missense changes on protein structure and function are either unavailable or do not agree on the potential impact of this missense change (SIFT: "Deleterious"; PolyPhen-2: "Probably Damaging"; Align-GVGD: "Class C0"). This variant has not been reported in the literature in individuals with KIAA0586-related conditions. This variant is present in population databases (rs769423672, ExAC 0.003%). This sequence change replaces leucine with methionine at codon 47 of the KIAA0586 protein (p.Leu47Met). The leucine residue is moderately conserved and there is a small physicochemical difference between leucine and methionine.

NM_001329943.3(KIAA0586):c.103T>A (p.Leu35Met)

Gene: KIAA0586 (KIAA0586; plus strand). Cytogenetic location: 14q23.1.
Variant type: single nucleotide variant.
Coding change: c.103T>A on transcript NM_001329943.3 (MANE Select); coding-DNA position 103, T replaced by A.
Protein change: p.Leu35Met; replaces leucine 35 with methionine.
Molecular consequence: missense variant. On other transcripts: intron variant (5).
Genome position (GRCh38, 1-based): chr14:58,428,367, T>A. VCF-style: chr14-58428367-T-A. GRCh37 (hg19) VCF-style: chr14-58895085-T-A.
Other names: c.139T>A, p.Leu47Met (NM_001244189.2); c.58T>A, p.Leu20Met (NM_001244190.2); c.103T>A, p.Leu35Met (NM_001329944.2, NM_001329946.2, NM_001329947.2 and 1 more transcripts); c.-57+730T>A (NM_001244192.2, NM_001244191.2); c.-57+554T>A (NM_001364701.2, NM_001329945.2, NM_001364700.1); short protein forms L35M, L20M, L47M.
Identifiers: ClinVar variation 1392720 (VCV001392720.7), dbSNP rs769423672, ClinGen allele CA7205268.
Genomic context (GRCh38, chr14:58,428,367, plus strand): 5'-AAGATGCCAGTGAAGAGACTTCGTGAGGTAGTTTCTCAAAATCATGGAGATCATTTGGTT[T>A]TGCTGAAAGATGAGTTGCCCTGTGTTCCTCCGGCATTGTCTGCAAATAAACGTCTTCCTG-3'
Protein context (NP_001316872.1, residues 25-45): VSQNHGDHLV[Leu35Met]LKDELPCVPP